The following is an entry in ClinVar:

ClinVar aggregate classification (germline): Likely pathogenic (1 of 4 stars; one submission).

Conditions:
Hereditary cancer-predisposing syndrome. Also called: Tumor predisposition; Neoplastic Syndromes, Hereditary; Hereditary neoplastic syndrome; Hereditary Cancer Syndrome. Identifiers: Orphanet 140162, MedGen C0027672, MeSH D009386, MONDO:0015356.

Submission:

Ambry Genetics
Classification: Likely pathogenic for Hereditary cancer-predisposing syndrome. Last evaluated: 2024-08-05. Review status: criteria provided, single submitter. Criteria: Ambry Variant Classification Scheme 2023. Collection method: clinical testing. Allele origin: germline.
Comment: The c.1678-2A>C intronic variant results from an A to C substitution two nucleotides upstream from coding exon 8 in the BARD1 gene. This variant is considered to be rare based on population cohorts in the Genome Aggregation Database (gnomAD). This nucleotide position is highly conserved in available vertebrate species. In silico splice site analysis predicts that this alteration will weaken the native splice acceptor site. Alterations that disrupt the canonical splice site are expected to cause aberrant splicing, resulting in an abnormal protein or a transcript that is subject to nonsense-mediated mRNA decay. As such, this alteration is classified as likely pathogenic.

NM_000465.4(BARD1):c.1678-2A>C

Gene: BARD1 (BRCA1 associated RING domain 1; minus strand). Cytogenetic location: 2q35.
Variant type: single nucleotide variant.
Coding change: c.1678-2A>C on transcript NM_000465.4 (MANE Select); the canonical splice acceptor site of the intron before coding-DNA position 1678, A replaced by C.
Molecular consequence: splice acceptor variant. On other transcripts: intron variant (1).
Genome position (GRCh38, 1-based): chr2:214,745,856, T>G on the plus strand (A>C on the coding strand, the complement: BARD1 is on the minus strand). VCF-style: chr2-214745856-T-G. GRCh37 (hg19) VCF-style: chr2-215610580-T-G.
Other names: c.268-2A>C (NM_001282548.2); c.1621-2A>C (NM_001282543.2); c.325-2A>C (NM_001282545.2); c.365-15348A>C (NM_001282549.2).
Identifiers: ClinVar variation 3479708 (VCV003479708.1).